The following is an entry in ClinVar:

ClinVar aggregate classification (germline): Likely pathogenic (1 of 4 stars; one submission).

Conditions:
HNSHA due to aldolase A deficiency (GSD12). Also called: GLYCOGEN STORAGE DISEASE XII; GSD XII; Glycogen storage disease due to aldolase A deficiency; RED CELL ALDOLASE DEFICIENCY. Identifiers: Orphanet 57, MedGen C0272066, MONDO:0012747, OMIM 611881.

gnomAD v4.1: 4 of 1,614,110 alleles (0.00025%); highest among the groups gnomAD compares: Non-Finnish European, 0.00034%; no homozygotes.

Submission:

Laboratory of Medical Genetics, National & Kapodistrian University of Athens
Classification: Likely pathogenic for HNSHA due to aldolase A deficiency. Last evaluated: 2021-10-01. Review status: criteria provided, single submitter. Criteria: ACMG Guidelines, 2015. Collection method: clinical testing. Allele origin: unknown. Affected: yes.
Comment: PM2, PM3, PP2, PP3, PP5

NM_001243177.4(ALDOA):c.1178G>A (p.Cys393Tyr)

Genes: ALDOA (aldolase, fructose-bisphosphate A; plus strand), LOC112694756 (uncharaterized LOC112694756; plus strand). Cytogenetic location: 16p11.2.
Variant type: single nucleotide variant.
Coding change: c.1178G>A on transcript NM_001243177.4 (MANE Select); coding-DNA position 1178, G replaced by A.
Protein change: p.Cys393Tyr; replaces cysteine 393 with tyrosine.
Molecular consequence: missense variant. On other transcripts: 3 prime UTR variant (3).
Genome position (GRCh38, 1-based): chr16:30,070,133, G>A. VCF-style: chr16-30070133-G-A. GRCh37 (hg19) VCF-style: chr16-30081454-G-A.
Other names: c.*1525G>A (NM_001365304.2, NM_001365305.2, NM_001365307.2); c.1016G>A, p.Cys339Tyr (NM_001127617.2, NM_184041.5, NM_184043.2); short protein forms C339Y, C393Y.
Identifiers: ClinVar variation 1299547 (VCV001299547.1), dbSNP rs2151019809, ClinGen allele CA395495470.
Genomic context (GRCh38, chr16:30,070,133, plus strand): 5'-ACTCGGAGAAGAGCCCTTCTCACTCCACCCCTCTCCCTGCTTAGGCCAACAGCCTTGCCT[G>A]TCAAGGAAAGTACACTCCGAGCGGTCAGGCTGGGGCTGCTGCCAGCGAGTCCCTCTTCGT-3'
Protein context (NP_001230106.1, residues 383-403): VKRALANSLA[Cys393Tyr]QGKYTPSGQA